The following is an entry in ClinVar:

NM_001148.6(ANK2):c.3652C>G (p.Pro1218Ala)

Gene: ANK2 (ankyrin 2; plus strand). Cytogenetic location: 4q26.
Variant type: single nucleotide variant.
Coding change: c.3652C>G on transcript NM_001148.6 (MANE Select); coding-DNA position 3652, C replaced by G.
Protein change: p.Pro1218Ala; replaces proline 1218 with alanine.
Molecular consequence: missense variant.
Genome position (GRCh38, 1-based): chr4:113,336,637, C>G. VCF-style: chr4-113336637-C-G. GRCh37 (hg19) VCF-style: chr4-114257793-C-G.
Other names: c.3625C>G, p.Pro1209Ala (NM_001127493.3); c.3664C>G, p.Pro1222Ala (NM_001354225.2); c.3553C>G, p.Pro1185Ala (NM_001354228.2, NM_001354258.2); c.3631C>G, p.Pro1211Ala (NM_001354230.2); c.3694C>G, p.Pro1232Ala (NM_001354231.2, NM_001354242.2); c.3688C>G, p.Pro1230Ala (NM_001354232.2); c.3649C>G, p.Pro1217Ala (NM_001354235.2, NM_001354246.2, NM_001354265.2); c.3550C>G, p.Pro1184Ala (NM_001354236.2); and 31 more; short protein forms P1090A, P1131A, P1147A, P1164A, P1166A, P1185A, P1211A, P1213A.
Identifiers: ClinVar variation 1427221 (VCV001427221.6), dbSNP rs754740031, ClinGen allele CA357938396.

ClinVar aggregate classification (germline): Uncertain significance (1 of 4 stars; one submission).

Conditions:
Long QT syndrome (LQTS). Identifiers: MedGen C0023976, MeSH D008133, MONDO:0002442. Disease mechanism: loss of function. Inheritance: Various modes of inheritance.

Submission:

Labcorp Genetics (formerly Invitae), Labcorp
Classification: Uncertain significance for Long QT syndrome. Last evaluated: 2022-08-31. Review status: criteria provided, single submitter. Criteria: Invitae Variant Classification Sherloc (09022015). Collection method: clinical testing. Allele origin: germline.
Comment: This sequence change replaces proline, which is neutral and non-polar, with alanine, which is neutral and non-polar, at codon 1218 of the ANK2 protein (p.Pro1218Ala). This variant is not present in population databases (gnomAD no frequency). This variant has not been reported in the literature in individuals affected with ANK2-related conditions. ClinVar contains an entry for this variant (Variation ID: 1427221). Algorithms developed to predict the effect of missense changes on protein structure and function are either unavailable or do not agree on the potential impact of this missense change (SIFT: "Tolerated"; PolyPhen-2: "Probably Damaging"; Align-GVGD: "Class C0"). In summary, the available evidence is currently insufficient to determine the role of this variant in disease. Therefore, it has been classified as a Variant of Uncertain Significance.